The following is an entry in ClinVar:

ClinVar aggregate classification (germline): Conflicting classifications of pathogenicity. Review status: criteria provided, conflicting classifications (1 of 4 stars). 3 submissions from 3 submitters: Uncertain significance (2); Likely benign (1). Last evaluated 2025-09-08.

Conditions:
Inborn genetic diseases. Identifiers: MedGen C0950123, MeSH D030342.

Allele frequency attached by ClinVar (database versions not stated): ExAC 0.00006.

Submissions (3):

Labcorp Genetics (formerly Invitae), Labcorp
Classification: Uncertain significance. Last evaluated: 2025-09-08. Review status: criteria provided, single submitter. Criteria: Invitae Variant Classification Sherloc (09022015). Collection method: clinical testing. Allele origin: germline.
Comment: This sequence change replaces arginine, which is basic and polar, with glutamine, which is neutral and polar, at codon 61 of the PRPF3 protein (p.Arg61Gln). The frequency data for this variant in the population databases is considered unreliable, as metrics indicate poor data quality at this position in the gnomAD database. This variant has not been reported in the literature in individuals affected with PRPF3-related conditions. ClinVar contains an entry for this variant (Variation ID: 1906028). Invitae Evidence Modeling of protein sequence and biophysical properties (such as structural, functional, and spatial information, amino acid conservation, physicochemical variation, residue mobility, and thermodynamic stability) indicates that this missense variant is not expected to disrupt PRPF3 protein function with a negative predictive value of 95%. In summary, the available evidence is currently insufficient to determine the role of this variant in disease. Therefore, it has been classified as a Variant of Uncertain Significance.

Ambry Genetics
Classification: Uncertain significance for Inborn genetic diseases. Last evaluated: 2025-03-11. Review status: criteria provided, single submitter. Criteria: Ambry Variant Classification Scheme 2023. Collection method: clinical testing. Allele origin: germline.

Blueprint Genetics
Classification: Likely benign. Last evaluated: 2018-04-18. Review status: criteria provided, single submitter. Criteria: ACMG Guidelines, 2015. Collection method: clinical testing. Allele origin: germline.

NM_004698.4(PRPF3):c.182G>A (p.Arg61Gln)

Gene: PRPF3 (pre-mRNA processing factor 3; plus strand). Cytogenetic location: 1q21.2.
Variant type: single nucleotide variant.
Coding change: c.182G>A on transcript NM_004698.4 (MANE Select); coding-DNA position 182, G replaced by A.
Protein change: p.Arg61Gln; replaces arginine 61 with glutamine.
Molecular consequence: missense variant. On other transcripts: 5 prime UTR variant (1), non-coding transcript variant (4).
Genome position (GRCh38, 1-based): chr1:150,325,787, G>A. VCF-style: chr1-150325787-G-A. GRCh37 (hg19) VCF-style: chr1-150298245-G-A.
Other names: c.-320G>A (NM_001350529.1); c.182G>A (NM_004698.2); short protein forms R61Q.
Identifiers: ClinVar variation 1906028 (VCV001906028.7), dbSNP rs782061609, ClinGen allele CA1075391.